The following is an entry in ClinVar:

NM_000238.4(KCNH2):c.1898A>C (p.Asn633Thr)

Gene: KCNH2 (potassium voltage-gated channel subfamily H member 2; minus strand). Cytogenetic location: 7q36.1.
Variant type: single nucleotide variant.
Coding change: c.1898A>C on transcript NM_000238.4 (MANE Select); coding-DNA position 1898, A replaced by C.
Protein change: p.Asn633Thr; replaces asparagine 633 with threonine.
Molecular consequence: missense variant.
Genome position (GRCh38, 1-based): chr7:150,951,495, T>G on the plus strand (A>C on the coding strand, the complement: KCNH2 is on the minus strand). VCF-style: chr7-150951495-T-G. GRCh37 (hg19) VCF-style: chr7-150648583-T-G.
Other names: c.878A>C, p.Asn293Thr (NM_001204798.2, NM_172057.3); c.1610A>C, p.Asn537Thr (NM_001406753.1, NM_001406756.1); c.1721A>C, p.Asn574Thr (NM_001406755.1); c.1598A>C, p.Asn533Thr (NM_001406757.1); c.1898A>C, p.Asn633Thr (NM_172056.3); short protein forms N293T, N633T, N574T, N533T, N537T.
Identifiers: ClinVar variation 1359868 (VCV001359868.9), dbSNP rs199472961, ClinGen allele CA369857881.
Genomic context (GRCh38, chr7:150,951,495, plus strand): 5'-TGGGCACACTCACAGCCAATGAGCATGACGCAGATGGAGAAGATCTTCTCTGAGTTGGTG[T>G]TGGGAGAGACGTTGCCGAAGCCCACACTGGTGAGGCTGCTGAAGGTGAAGTAGAGCGCCG-3'
Protein context (NP_000229.1, residues 623-643): TSVGFGNVSP[Asn633Thr]TNSEKIFSIC

ClinVar aggregate classification (germline): Uncertain significance (1 of 4 stars; one submission).

Conditions:
Long QT syndrome (LQTS). Identifiers: MedGen C0023976, MeSH D008133, MONDO:0002442. Disease mechanism: loss of function. Inheritance: Various modes of inheritance.

Submission:

Labcorp Genetics (formerly Invitae), Labcorp
Classification: Uncertain significance for Long QT syndrome. Last evaluated: 2021-06-08. Review status: criteria provided, single submitter. Criteria: Invitae Variant Classification Sherloc (09022015). Collection method: clinical testing. Allele origin: germline.
Comment: In summary, the available evidence is currently insufficient to determine the role of this variant in disease. Therefore, it has been classified as a Variant of Uncertain Significance. This variant disrupts the p.Asn633 amino acid residue in KCNH2. Other variant(s) that disrupt this residue have been determined to be pathogenic (PMID: 9544837, 22949429, 17088455, 19996378). This suggests that this residue is clinically significant, and that variants that disrupt this residue are likely to be disease-causing Algorithms developed to predict the effect of missense changes on protein structure and function are either unavailable or do not agree on the potential impact of this missense change (SIFT: "Tolerated"; PolyPhen-2: "Probably Damaging"; Align-GVGD: "Class C0"). This variant has not been reported in the literature in individuals with KCNH2-related conditions. This variant is not present in population databases (ExAC no frequency). This sequence change replaces asparagine with threonine at codon 633 of the KCNH2 protein (p.Asn633Thr). The asparagine residue is highly conserved and there is a small physicochemical difference between asparagine and threonine.

Literature cited by the submitters: PubMed 9544837; PubMed 22949429; PubMed 17088455; PubMed 19996378.